The following is an entry in ClinVar:

ClinVar aggregate classification (germline): Likely benign. Review status: criteria provided, multiple submitters, no conflicts (2 of 4 stars). 4 submissions from 4 submitters: Likely benign (3). 1 of the submissions does not count toward it. Last evaluated 2024-11-26.

Conditions:
MYOF-related disorder. Also called: MYOF-related condition.

Allele frequency attached by ClinVar (database versions not stated): 1000 Genomes Project 0.00060; 1000 Genomes Project 30x 0.00078; gnomAD exomes 0.00320 and 0.00490; TOPMed 0.00336; gnomAD 0.00352 and 0.00362; ExAC 0.00366; ESP Exome Variant Server 0.00459.
gnomAD v4.1: 7,644 of 1,608,804 alleles (0.48%); highest among the groups gnomAD compares: Non-Finnish European, 0.59%; 25 homozygotes.

Submissions (32):

Blueprint Genetics
Classification: Likely benign. Last evaluated: 2024-11-26. Review status: criteria provided, single submitter. Criteria: ACMG Guidelines, 2015. Collection method: clinical testing. Allele origin: germline.

CeGaT Center for Human Genetics Tuebingen
Classification: Likely benign. Last evaluated: 2024-02-01. Review status: criteria provided, single submitter. Criteria: CeGaT Center For Human Genetics Tuebingen Variant Classification Criteria Version 2. Collection method: clinical testing. Allele origin: germline. Affected: yes. Observed: 5 variant alleles.
Comment: MYOF: BP4, BS2

Labcorp Genetics (formerly Invitae), Labcorp
Classification: Likely benign. Last evaluated: 2018-05-25. Review status: criteria provided, single submitter. Criteria: Invitae Variant Classification Sherloc (09022015). Collection method: clinical testing. Allele origin: germline.

PreventionGenetics, part of Exact Sciences
Classification: Likely benign for MYOF-related condition. Last evaluated: 2019-05-01. Review status: no assertion criteria provided. Collection method: clinical testing. Allele origin: germline. Not counted in ClinVar's aggregate classification.
Comment: This variant is classified as likely benign based on ACMG/AMP sequence variant interpretation guidelines (Richards et al. 2015 PMID: 25741868, with internal and published modifications).

Dr. Peter K. Rogan Lab, Western University
No classification provided (evidence only). Condition: Clear cell carcinoma of kidney. Review status: no classification provided. Collection method: in vitro. Allele origin: not applicable. Functional consequence: retained intron. Not counted in ClinVar's aggregate classification.

Dr. Peter K. Rogan Lab, Western University
No classification provided (evidence only). Condition: Clear cell carcinoma of kidney. Review status: no classification provided. Collection method: in vitro. Allele origin: not applicable. Functional consequence: retained intron. Not counted in ClinVar's aggregate classification.

Dr. Peter K. Rogan Lab, Western University
No classification provided (evidence only). Condition: Clear cell carcinoma of kidney. Review status: no classification provided. Collection method: in vitro. Allele origin: not applicable. Functional consequence: retained intron. Not counted in ClinVar's aggregate classification.

Dr. Peter K. Rogan Lab, Western University
No classification provided (evidence only). Condition: Clear cell carcinoma of kidney. Review status: no classification provided. Collection method: in vitro. Allele origin: not applicable. Functional consequence: retained intron. Not counted in ClinVar's aggregate classification.

Dr. Peter K. Rogan Lab, Western University
No classification provided (evidence only). Condition: Clear cell carcinoma of kidney. Review status: no classification provided. Collection method: in vitro. Allele origin: not applicable. Functional consequence: retained intron. Not counted in ClinVar's aggregate classification.

Dr. Peter K. Rogan Lab, Western University
No classification provided (evidence only). Condition: Clear cell carcinoma of kidney. Review status: no classification provided. Collection method: in vitro. Allele origin: not applicable. Functional consequence: retained intron. Not counted in ClinVar's aggregate classification.

Dr. Peter K. Rogan Lab, Western University
No classification provided (evidence only). Condition: Clear cell carcinoma of kidney. Review status: no classification provided. Collection method: in vitro. Allele origin: not applicable. Functional consequence: retained intron. Not counted in ClinVar's aggregate classification.

Dr. Peter K. Rogan Lab, Western University
No classification provided (evidence only). Condition: Lung cancer. Review status: no classification provided. Collection method: in vitro. Allele origin: not applicable. Functional consequence: retained intron. Not counted in ClinVar's aggregate classification.

Dr. Peter K. Rogan Lab, Western University
No classification provided (evidence only). Condition: Lung cancer. Review status: no classification provided. Collection method: in vitro. Allele origin: not applicable. Functional consequence: retained intron. Not counted in ClinVar's aggregate classification.

Dr. Peter K. Rogan Lab, Western University
No classification provided (evidence only). Condition: Lung cancer. Review status: no classification provided. Collection method: in vitro. Allele origin: not applicable. Functional consequence: retained intron. Not counted in ClinVar's aggregate classification.

Dr. Peter K. Rogan Lab, Western University
No classification provided (evidence only). Condition: Melanoma. Review status: no classification provided. Collection method: in vitro. Allele origin: not applicable. Functional consequence: retained intron. Not counted in ClinVar's aggregate classification.

Dr. Peter K. Rogan Lab, Western University
No classification provided (evidence only). Condition: Familial cancer of breast. Review status: no classification provided. Collection method: in vitro. Allele origin: not applicable. Functional consequence: retained intron. Not counted in ClinVar's aggregate classification.

Dr. Peter K. Rogan Lab, Western University
No classification provided (evidence only). Condition: Familial cancer of breast. Review status: no classification provided. Collection method: in vitro. Allele origin: not applicable. Functional consequence: retained intron. Not counted in ClinVar's aggregate classification.

Dr. Peter K. Rogan Lab, Western University
No classification provided (evidence only). Condition: Familial cancer of breast. Review status: no classification provided. Collection method: in vitro. Allele origin: not applicable. Functional consequence: retained intron. Not counted in ClinVar's aggregate classification.

Dr. Peter K. Rogan Lab, Western University
No classification provided (evidence only). Condition: Acute myeloid leukemia. Review status: no classification provided. Collection method: in vitro. Allele origin: not applicable. Functional consequence: retained intron. Not counted in ClinVar's aggregate classification.

Dr. Peter K. Rogan Lab, Western University
No classification provided (evidence only). Condition: Acute myeloid leukemia. Review status: no classification provided. Collection method: in vitro. Allele origin: not applicable. Functional consequence: retained intron. Not counted in ClinVar's aggregate classification.

Dr. Peter K. Rogan Lab, Western University
No classification provided (evidence only). Condition: Acute myeloid leukemia. Review status: no classification provided. Collection method: in vitro. Allele origin: not applicable. Functional consequence: retained intron. Not counted in ClinVar's aggregate classification.

Dr. Peter K. Rogan Lab, Western University
No classification provided (evidence only). Condition: Colon adenocarcinoma. Review status: no classification provided. Collection method: in vitro. Allele origin: not applicable. Functional consequence: retained intron. Not counted in ClinVar's aggregate classification.

Dr. Peter K. Rogan Lab, Western University
No classification provided (evidence only). Condition: Colon adenocarcinoma. Review status: no classification provided. Collection method: in vitro. Allele origin: not applicable. Functional consequence: retained intron. Not counted in ClinVar's aggregate classification.

Dr. Peter K. Rogan Lab, Western University
No classification provided (evidence only). Condition: Colorectal cancer. Review status: no classification provided. Collection method: in vitro. Allele origin: not applicable. Functional consequence: retained intron. Not counted in ClinVar's aggregate classification.

Dr. Peter K. Rogan Lab, Western University
No classification provided (evidence only). Condition: Sarcoma. Review status: no classification provided. Collection method: in vitro. Allele origin: not applicable. Functional consequence: retained intron. Not counted in ClinVar's aggregate classification.

Dr. Peter K. Rogan Lab, Western University
No classification provided (evidence only). Condition: Thymoma. Review status: no classification provided. Collection method: in vitro. Allele origin: not applicable. Functional consequence: retained intron. Not counted in ClinVar's aggregate classification.

Dr. Peter K. Rogan Lab, Western University
No classification provided (evidence only). Condition: Gastric cancer. Review status: no classification provided. Collection method: in vitro. Allele origin: not applicable. Functional consequence: retained intron. Not counted in ClinVar's aggregate classification.

Dr. Peter K. Rogan Lab, Western University
No classification provided (evidence only). Condition: Gastric cancer. Review status: no classification provided. Collection method: in vitro. Allele origin: not applicable. Functional consequence: retained intron. Not counted in ClinVar's aggregate classification.

Dr. Peter K. Rogan Lab, Western University
No classification provided (evidence only). Condition: Uterine carcinosarcoma. Review status: no classification provided. Collection method: in vitro. Allele origin: not applicable. Functional consequence: retained intron. Not counted in ClinVar's aggregate classification.

Dr. Peter K. Rogan Lab, Western University
No classification provided (evidence only). Condition: Malignant tumor of esophagus. Review status: no classification provided. Collection method: in vitro. Allele origin: not applicable. Functional consequence: retained intron. Not counted in ClinVar's aggregate classification.

Dr. Peter K. Rogan Lab, Western University
No classification provided (evidence only). Condition: Malignant tumor of esophagus. Review status: no classification provided. Collection method: in vitro. Allele origin: not applicable. Functional consequence: retained intron. Not counted in ClinVar's aggregate classification.

Dr. Peter K. Rogan Lab, Western University
No classification provided (evidence only). Condition: Malignant tumor of esophagus. Review status: no classification provided. Collection method: in vitro. Allele origin: not applicable. Functional consequence: retained intron. Not counted in ClinVar's aggregate classification.

NM_013451.4(MYOF):c.2114C>T (p.Thr705Met)

Gene: MYOF (myoferlin; minus strand). Cytogenetic location: 10q23.33.
Variant type: single nucleotide variant.
Coding change: c.2114C>T on transcript NM_013451.4 (MANE Select); coding-DNA position 2114, C replaced by T.
Protein change: p.Thr705Met; replaces threonine 705 with methionine.
Molecular consequence: missense variant.
Genome position (GRCh38, 1-based): chr10:93,374,950, G>A on the plus strand (C>T on the coding strand, the complement: MYOF is on the minus strand). VCF-style: chr10-93374950-G-A. GRCh37 (hg19) VCF-style: chr10-95134707-G-A.
Other names: NC_000010.10:g.95134707G>A; c.2075C>T, p.Thr692Met (NM_133337.3); short protein forms T692M, T705M.
Identifiers: ClinVar variation 710747 (VCV000710747.30), dbSNP rs150897152, ClinGen allele CA5607956.